The following is an entry in ClinVar:

ClinVar aggregate classification (germline): Uncertain significance. Review status: criteria provided, multiple submitters, no conflicts (2 of 4 stars). 2 submissions from 2 submitters: Uncertain significance (2). Last evaluated 2025-07-21.

Conditions:
Myofibrillar myopathy 4. Also called: Zaspopathy (type). Identifiers: Orphanet 98912, MedGen C4721886, MONDO:0012277, OMIM 609452.
Cardiovascular phenotype. Identifiers: MedGen CN230736.

Allele frequency attached by ClinVar (database versions not stated): gnomAD exomes below 0.00001.
gnomAD v4.1: 3 of 1,614,134 alleles (0.00019%); highest among the groups gnomAD compares: Admixed American, 0.0017%; no homozygotes.

Submissions (2):

Ambry Genetics
Classification: Uncertain significance for Cardiovascular phenotype. Last evaluated: 2025-07-21. Review status: criteria provided, single submitter. Criteria: Ambry Variant Classification Scheme 2023. Collection method: clinical testing. Allele origin: germline.
Comment: The p.N269S variant (also known as c.806A>G), located in coding exon 5 of the LDB3 gene, results from an A to G substitution at nucleotide position 806. The asparagine at codon 269 is replaced by serine, an amino acid with highly similar properties. This amino acid position is conserved. In addition, this alteration is predicted to be tolerated by in silico analysis. Based on the available evidence, the clinical significance of this variant remains unclear.

Labcorp Genetics (formerly Invitae), Labcorp
Classification: Uncertain significance for Myofibrillar myopathy 4. Last evaluated: 2025-05-12. Review status: criteria provided, single submitter. Criteria: Invitae Variant Classification Sherloc (09022015). Collection method: clinical testing. Allele origin: germline.
Comment: This sequence change replaces asparagine, which is neutral and polar, with serine, which is neutral and polar, at codon 222 of the LDB3 protein (p.Asn222Ser). This variant is not present in population databases (gnomAD no frequency). This variant has not been reported in the literature in individuals affected with LDB3-related conditions. ClinVar contains an entry for this variant (Variation ID: 1493083). An algorithm developed to predict the effect of missense changes on protein structure and function outputs the following: PolyPhen-2: "Benign". The serine amino acid residue is found in multiple mammalian species, which suggests that this missense change does not adversely affect protein function. In summary, the available evidence is currently insufficient to determine the role of this variant in disease. Therefore, it has been classified as a Variant of Uncertain Significance.

NM_007078.3(LDB3):c.806A>G (p.Asn269Ser)

Gene: LDB3 (LIM domain binding 3; plus strand). Cytogenetic location: 10q23.2.
Variant type: single nucleotide variant.
Coding change: c.806A>G on transcript NM_007078.3 (MANE Select); coding-DNA position 806, A replaced by G.
Protein change: p.Asn269Ser; replaces asparagine 269 with serine.
Molecular consequence: missense variant.
Genome position (GRCh38, 1-based): chr10:86,692,012, A>G. VCF-style: chr10-86692012-A-G. GRCh37 (hg19) VCF-style: chr10-88451769-A-G.
Other names: c.665A>G, p.Asn222Ser (NM_001080114.2, NM_001080116.1, NM_001368066.1 and 2 more transcripts); c.806A>G, p.Asn269Ser (NM_001080115.2, NM_001368063.1, NM_001368064.1 and 1 more transcripts); c.1010A>G, p.Asn337Ser (NM_001171610.2, NM_001171611.2); c.806A>G (NM_007078.2); short protein forms N269S, N337S, N222S.
Identifiers: ClinVar variation 1493083 (VCV001493083.9), dbSNP rs1307504553, ClinGen allele CA377443258.